The following is an entry in ClinVar:

ClinVar aggregate classification (germline): Uncertain significance (1 of 4 stars; one submission).

Allele frequency attached by ClinVar (database versions not stated): TOPMed 0.00001; gnomAD 0.00003.
gnomAD v4.1: 17 of 1,344,472 alleles (0.0013%); highest among the groups gnomAD compares: South Asian, 0.02%; no homozygotes.

Submission:

Labcorp Genetics (formerly Invitae), Labcorp
Classification: Uncertain significance. Last evaluated: 2022-08-09. Review status: criteria provided, single submitter. Criteria: Invitae Variant Classification Sherloc (09022015). Collection method: clinical testing. Allele origin: germline.
Comment: This sequence change replaces aspartic acid, which is acidic and polar, with asparagine, which is neutral and polar, at codon 50 of the HMX1 protein (p.Asp50Asn). This variant is not present in population databases (gnomAD no frequency). This variant has not been reported in the literature in individuals affected with HMX1-related conditions. Algorithms developed to predict the effect of missense changes on protein structure and function are either unavailable or do not agree on the potential impact of this missense change (SIFT: "Tolerated"; PolyPhen-2: "Not Available"; Align-GVGD: "Class C0"). In summary, the available evidence is currently insufficient to determine the role of this variant in disease. Therefore, it has been classified as a Variant of Uncertain Significance.

NM_018942.3(HMX1):c.148G>A (p.Asp50Asn)

Gene: HMX1 (H6 family homeobox 1; minus strand). Cytogenetic location: 4p16.1.
Variant type: single nucleotide variant.
Coding change: c.148G>A on transcript NM_018942.3 (MANE Select); coding-DNA position 148, G replaced by A.
Protein change: p.Asp50Asn; replaces aspartic acid 50 with asparagine.
Molecular consequence: missense variant.
Genome position (GRCh38, 1-based): chr4:8,871,467, C>T on the plus strand (G>A on the coding strand, the complement: HMX1 is on the minus strand). VCF-style: chr4-8871467-C-T. GRCh37 (hg19) VCF-style: chr4-8873193-C-T.
Other names: c.148G>A, p.Asp50Asn (NM_001306142.2); short protein forms D50N.
Identifiers: ClinVar variation 1930708 (VCV001930708.2), dbSNP rs1242772301, ClinGen allele CA356279255.